The following is an entry in ClinVar:

ClinVar aggregate classification (germline): Uncertain significance (1 of 4 stars; one submission).

Conditions:
Cardiovascular phenotype. Identifiers: MedGen CN230736.

gnomAD v4.1: 1 of 1,614,102 alleles (0.000062%); highest among the groups gnomAD compares: Non-Finnish European, 0.000085%; no homozygotes.

Submission:

Ambry Genetics
Classification: Uncertain significance for Cardiovascular phenotype. Last evaluated: 2022-09-29. Review status: criteria provided, single submitter. Criteria: Ambry Variant Classification Scheme 2023. Collection method: clinical testing. Allele origin: germline.
Comment: The p.Q2562E variant (also known as c.7684C>G), located in coding exon 10 of the ALMS1 gene, results from a C to G substitution at nucleotide position 7684. The glutamine at codon 2562 is replaced by glutamic acid, an amino acid with highly similar properties. This amino acid position is well conserved in available vertebrate species. In addition, this alteration is predicted to be tolerated by in silico analysis. Since supporting evidence is limited at this time, the clinical significance of this alteration remains unclear.

NM_001378454.1(ALMS1):c.7681C>G (p.Gln2561Glu)

Gene: ALMS1 (ALMS1 centrosome and basal body associated protein; plus strand). Cytogenetic location: 2p13.1.
Variant type: single nucleotide variant.
Coding change: c.7681C>G on transcript NM_001378454.1 (MANE Select); coding-DNA position 7681, C replaced by G.
Protein change: p.Gln2561Glu; replaces glutamine 2561 with glutamic acid.
Molecular consequence: missense variant.
Genome position (GRCh38, 1-based): chr2:73,489,640, C>G. VCF-style: chr2-73489640-C-G. GRCh37 (hg19) VCF-style: chr2-73716767-C-G.
Other names: c.7684C>G, p.Gln2562Glu (NM_015120.4); short protein forms Q2562E, Q2561E.
Identifiers: ClinVar variation 1760123 (VCV001760123.2), dbSNP rs2466212005, ClinGen allele CA347263840.